The following is an entry in ClinVar:

NM_032977.4(CASP10):c.326G>C (p.Arg109Pro)

Gene: CASP10 (caspase 10; plus strand). Cytogenetic location: 2q33.1.
Variant type: single nucleotide variant.
Coding change: c.326G>C on transcript NM_032977.4 (MANE Select); coding-DNA position 326, G replaced by C.
Protein change: p.Arg109Pro; replaces arginine 109 with proline.
Molecular consequence: missense variant.
Genome position (GRCh38, 1-based): chr2:201,186,103, G>C. VCF-style: chr2-201186103-G-C. GRCh37 (hg19) VCF-style: chr2-202050826-G-C.
Other names: c.326G>C, p.Arg109Pro (NM_001206524.2, NM_001206542.2, NM_001230.5 and 3 more transcripts); short protein forms R109P.
Identifiers: ClinVar variation 2162939 (VCV002162939.5), dbSNP rs753330049, ClinGen allele CA63899915.

ClinVar aggregate classification (germline): Uncertain significance. Review status: criteria provided, multiple submitters, no conflicts (2 of 4 stars). 2 submissions from 2 submitters: Uncertain significance (2). Last evaluated 2024-10-25.

Conditions:
Autoimmune lymphoproliferative syndrome type 2A (ALPS2A). Also called: CASP10-Related Autoimmune Lymphoproliferative Syndrome; AUTOIMMUNE LYMPHOPROLIFERATIVE SYNDROME, TYPE IIA; Autoimmune lymphoproliferative syndrome type 2. Identifiers: Orphanet 3261, MedGen C1858968, MONDO:0011383, OMIM 603909.

gnomAD v4.1: 3 of 1,611,964 alleles (0.00019%); highest among the groups gnomAD compares: Non-Finnish European, 0.00017%; no homozygotes.

Submissions (2):

Labcorp Genetics (formerly Invitae), Labcorp
Classification: Uncertain significance for Autoimmune lymphoproliferative syndrome type 2A. Last evaluated: 2024-10-25. Review status: criteria provided, single submitter. Criteria: Invitae Variant Classification Sherloc (09022015). Collection method: clinical testing. Allele origin: germline.
Comment: This sequence change replaces arginine, which is basic and polar, with proline, which is neutral and non-polar, at codon 109 of the CASP10 protein (p.Arg109Pro). This variant is present in population databases (no rsID available, gnomAD 0.0009%). This variant has not been reported in the literature in individuals affected with CASP10-related conditions. ClinVar contains an entry for this variant (Variation ID: 2162939). Invitae Evidence Modeling of protein sequence and biophysical properties (such as structural, functional, and spatial information, amino acid conservation, physicochemical variation, residue mobility, and thermodynamic stability) indicates that this missense variant is not expected to disrupt CASP10 protein function with a negative predictive value of 80%. In summary, the available evidence is currently insufficient to determine the role of this variant in disease. Therefore, it has been classified as a Variant of Uncertain Significance.

Ambry Genetics
Classification: Uncertain significance. Last evaluated: 2024-07-14. Review status: criteria provided, single submitter. Criteria: Ambry Variant Classification Scheme 2023. Collection method: clinical testing. Allele origin: germline.